The following is an entry in ClinVar:

NM_033305.3(VPS13A):c.8570A>T (p.Tyr2857Phe)

Gene: VPS13A (vacuolar protein sorting 13 homolog A; plus strand). Cytogenetic location: 9q21.2.
Variant type: single nucleotide variant.
Coding change: c.8570A>T on transcript NM_033305.3 (MANE Select); coding-DNA position 8570, A replaced by T.
Protein change: p.Tyr2857Phe; replaces tyrosine 2857 with phenylalanine.
Molecular consequence: missense variant.
Genome position (GRCh38, 1-based): chr9:77,369,315, A>T. VCF-style: chr9-77369315-A-T. GRCh37 (hg19) VCF-style: chr9-79984231-A-T.
Other names: c.8453A>T, p.Tyr2818Phe (NM_001018037.2); c.8570A>T, p.Tyr2857Phe (NM_001018038.3, NM_015186.4); short protein forms Y2818F, Y2857F.
Identifiers: ClinVar variation 4086778 (VCV004086778.1).

ClinVar aggregate classification (germline): Uncertain significance (1 of 4 stars; one submission).

Submission:

GeneDx
Classification: Uncertain significance. Last evaluated: 2025-03-20. Review status: criteria provided, single submitter. Criteria: GeneDx Variant Classification Process June 2021. Collection method: clinical testing. Allele origin: germline. Affected: yes.
Comment: Not observed at significant frequency in large population cohorts (gnomAD); In silico analysis supports that this missense variant has a deleterious effect on protein structure/function; Has not been previously published as pathogenic or benign to our knowledge